The following is an entry in ClinVar:

NM_001128178.3(NPHP1):c.860-4T>G

Gene: NPHP1 (nephrocystin 1; minus strand). Cytogenetic location: 2q13.
Variant type: single nucleotide variant.
Coding change: c.860-4T>G on transcript NM_001128178.3 (MANE Select); 4 bases into the intron before coding-DNA position 860, T replaced by G.
Molecular consequence: intron variant.
Genome position (GRCh38, 1-based): chr2:110,161,701, A>C on the plus strand (T>G on the coding strand, the complement: NPHP1 is on the minus strand). VCF-style: chr2-110161701-A-C. GRCh37 (hg19) VCF-style: chr2-110919278-A-C.
Other names: c.671-4T>G (NM_001128179.3); c.857-4T>G (NM_001374256.1); c.860-4T>G (NM_001374257.1); c.1025-4T>G (NM_207181.4); c.1028-4T>G (NM_000272.5).
Identifiers: ClinVar variation 3344108 (VCV003344108.1).

ClinVar aggregate classification (germline): Likely benign (0 of 4 stars; one submission).

Conditions:
NPHP1-related disorder. Also called: NPHP1-related condition; NPHP1-related disorders.

gnomAD v4.1: 1 of 1,601,468 alleles (0.000062%); no homozygotes.

Submission:

PreventionGenetics, part of Exact Sciences
Classification: Likely benign for NPHP1-related condition. Last evaluated: 2024-08-08. Review status: no assertion criteria provided. Collection method: clinical testing. Allele origin: germline.
Comment: This variant is classified as likely benign based on ACMG/AMP sequence variant interpretation guidelines (Richards et al. 2015 PMID: 25741868, with internal and published modifications).